The following is an entry in ClinVar:

NM_004281.4(BAG3):c.488del (p.Pro163fs)

Gene: BAG3 (BAG cochaperone 3; plus strand). Cytogenetic location: 10q26.11.
Variant type: Deletion.
Coding change: c.488del on transcript NM_004281.4 (MANE Select); coding-DNA position 488, one base deleted (C; older notation c.488delC).
Protein change: p.Pro163fs; shifts the reading frame from proline 163.
Molecular consequence: frameshift variant.
Genome position (GRCh38, 1-based): chr10:119,670,158, C deleted; the last of 5 consecutive C bases (chr10:119,670,154-119,670,158); deleting any one gives the same sequence. VCF-style (leftmost placement, unchanged base first): chr10-119670153-GC-G. GRCh37 (hg19) VCF-style: chr10-121429665-GC-G.
Other names: short protein forms P163fs.
Identifiers: ClinVar variation 1453625 (VCV001453625.6), dbSNP rs1847128695, ClinGen allele CA933132626.

ClinVar aggregate classification (germline): Pathogenic (1 of 4 stars; one submission).

Conditions:
Myofibrillar myopathy 6. Identifiers: Orphanet 199340, MedGen C2751831, MONDO:0013061, OMIM 612954.
Dilated cardiomyopathy 1HH (CMD1HH). Identifiers: Orphanet 154, MedGen C3151293, MONDO:0013479, OMIM 613881.

Submission:

Labcorp Genetics (formerly Invitae), Labcorp
Classification: Pathogenic for Dilated cardiomyopathy 1HH; Myofibrillar myopathy 6. Last evaluated: 2021-02-07. Review status: criteria provided, single submitter. Criteria: Invitae Variant Classification Sherloc (09022015). Collection method: clinical testing. Allele origin: germline.
Comment: For these reasons, this variant has been classified as Pathogenic. This variant has not been reported in the literature in individuals with BAG3-related conditions. This variant is not present in population databases (ExAC no frequency). This sequence change creates a premature translational stop signal (p.Pro163Glnfs*48) in the BAG3 gene. It is expected to result in an absent or disrupted protein product. Loss-of-function variants in BAG3 are known to be pathogenic (PMID: 21353195, 25008357).

Literature cited by the submitters: PubMed 21353195; PubMed 25008357.